The following is an entry in ClinVar:

NM_005618.4(DLL1):c.1798A>G (p.Lys600Glu)

Gene: DLL1 (delta like canonical Notch ligand 1; minus strand). Cytogenetic location: 6q27.
Variant type: single nucleotide variant.
Coding change: c.1798A>G on transcript NM_005618.4 (MANE Select); coding-DNA position 1798, A replaced by G.
Protein change: p.Lys600Glu; replaces lysine 600 with glutamic acid.
Molecular consequence: missense variant.
Genome position (GRCh38, 1-based): chr6:170,283,481, T>C on the plus strand (A>G on the coding strand, the complement: DLL1 is on the minus strand). VCF-style: chr6-170283481-T-C. GRCh37 (hg19) VCF-style: chr6-170592569-T-C.
Other names: short protein forms K600E.
Identifiers: ClinVar variation 5006994 (VCV005006994.2).

ClinVar aggregate classification (germline): Uncertain significance (1 of 4 stars; one submission).

Conditions:
Neurodevelopmental disorder with nonspecific brain abnormalities and with or without seizures. Identifiers: MedGen C5231470, MONDO:0032877, OMIM 618709.

gnomAD v4.1: 1 of 1,613,428 alleles (0.000062%); no homozygotes.

Submission:

Juno Genomics, Hangzhou Juno Genomics, Inc
Classification: Uncertain significance for Neurodevelopmental disorder with nonspecific brain abnormalities and with or without seizures. Review status: criteria provided, single submitter. Criteria: ACMG Guidelines, 2015. Collection method: clinical testing. Allele origin: germline.
Comment: Absent from controls (or at extremely low frequency if recessive) in Genome Aggregation Database.;Multiple lines of computational evidence support a deleterious effect on the gene or gene product.